The following is an entry in ClinVar:

NM_001271.4(CHD2):c.4176GAA[2] (p.Lys1395del)

Gene: CHD2 (chromodomain helicase DNA binding protein 2; plus strand). Cytogenetic location: 15q26.1.
Variant type: Microsatellite.
Coding change: c.4176GAA[2] on transcript NM_001271.4 (MANE Select); two copies in a row of the 3-base unit GAA starting at c.4176; the reference has three copies in a row; one copy, 3 bases deleted.
Protein change: p.Lys1395del; deletes lysine 1395.
Molecular consequence: inframe deletion.
Genome position (GRCh38, 1-based): chr15:93,002,221-93,002,223, GAA deleted; deleting any 3 consecutive bases within chr15:93,002,214-93,002,223 gives the same sequence; the position shown is the placement nearest the transcript's 3' end. VCF-style (leftmost placement, unchanged base first): chr15-93002213-CAGA-C. GRCh37 (hg19) VCF-style: chr15-93545443-CAGA-C.
Other names: short protein forms K1395del.
Identifiers: ClinVar variation 2968667 (VCV002968667.3), dbSNP rs757914644, ClinGen allele CA7748406.

ClinVar aggregate classification (germline): Uncertain significance (1 of 4 stars; one submission).

Conditions:
Developmental and epileptic encephalopathy 94 (DEE94). Also called: CHD2-Related Neurodevelopmental Disorders; Epileptic encephalopathy, childhood-onset. Identifiers: Orphanet 1942, Orphanet 2382, MedGen C3809278, MONDO:0014150, OMIM 615369.

Submission:

Labcorp Genetics (formerly Invitae), Labcorp
Classification: Uncertain significance for Developmental and epileptic encephalopathy 94. Last evaluated: 2023-01-08. Review status: criteria provided, single submitter. Criteria: Invitae Variant Classification Sherloc (09022015). Collection method: clinical testing. Allele origin: germline.
Comment: This variant, c.4182_4184del, results in the deletion of 1 amino acid(s) of the CHD2 protein (p.Lys1395del), but otherwise preserves the integrity of the reading frame. In summary, the available evidence is currently insufficient to determine the role of this variant in disease. Therefore, it has been classified as a Variant of Uncertain Significance. Experimental studies and prediction algorithms are not available or were not evaluated, and the functional significance of this variant is currently unknown. This variant has not been reported in the literature in individuals affected with CHD2-related conditions. This variant is present in population databases (rs757914644, gnomAD 0.007%).